The following is an entry in ClinVar:

NM_000123.4(ERCC5):c.-1C>T

Genes: BIVM-ERCC5 (BIVM-ERCC5 readthrough; plus strand), ERCC5 (ERCC excision repair 5, endonuclease; plus strand). Cytogenetic location: 13q33.1.
Variant type: single nucleotide variant.
Coding change: c.-1C>T on transcript NM_000123.4 (MANE Select); 1 bases upstream of the start codon, C replaced by T.
Molecular consequence: 5 prime UTR variant. On other transcripts: intron variant (1).
Genome position (GRCh38, 1-based): chr13:102,846,266, C>T. VCF-style: chr13-102846266-C-T. GRCh37 (hg19) VCF-style: chr13-103498616-C-T.
Other names: c.1451-5852C>T (NM_001204425.2).
Identifiers: ClinVar variation 135535 (VCV000135535.1), dbSNP rs587777944, ClinGen allele CA162992.
Genomic context (GRCh38, chr13:102,846,266, plus strand): 5'-TCCGTCGTAGAAGAATTAGAGTAGAAGTTGTCGGGGTCCGCTCTTAGGACGCAGCCGCCT[C>T]ATGGGGGTCCAGGGGCTCTGGAAGCTGCTGGAGTGCTCCGGGCGGCAGGTCAGCCCCGAA-3'

ClinVar aggregate classification (germline): not provided (0 of 4 stars; one submission).

Allele frequency attached by ClinVar (database versions not stated): gnomAD 0.00001; TOPMed 0.00001.
gnomAD v4.1: 11 of 1,612,880 alleles (0.00068%); highest among the groups gnomAD compares: Non-Finnish European, 0.00076%; no homozygotes.

Submission:

ITMI
No classification provided. Condition: AllHighlyPenetrant. Last evaluated: 2013-09-19. Review status: no classification provided. Collection method: reference population. Allele origin: germline.
Comment: Please see associated publication for description of ethnicities

Literature cited by the submitters: PubMed 24728327.